The following is an entry in ClinVar:

ClinVar aggregate classification (germline): Pathogenic. Review status: criteria provided, multiple submitters, no conflicts (2 of 4 stars). 2 submissions from 2 submitters: Pathogenic (2). Last evaluated 2025-11-12.
ClinVar aggregate classification (oncogenicity): Likely oncogenic (1 of 4 stars; one submission).

Conditions:
Cardiovascular phenotype. Identifiers: MedGen CN230736.
Hereditary cancer-predisposing syndrome. Also called: Tumor predisposition; Neoplastic Syndromes, Hereditary; Hereditary Cancer Syndrome; Hereditary neoplastic syndrome. Identifiers: Orphanet 140162, MedGen C0027672, MeSH D009386, MONDO:0015356.
Neoplasm. Also called: tumor; Neoplasms; Neoplasm (disease). Identifiers: MedGen C0027651, MeSH D009369, MONDO:0005070, HP:0002664.

Allele frequency attached by ClinVar (database versions not stated): gnomAD exomes below 0.00001.

Submissions (3):

Center for Genomic Medicine, Rigshospitalet, Copenhagen University Hospital
Classification: Likely oncogenic for Neoplasm. Last evaluated: 2026-10-16. Review status: criteria provided, single submitter. Criteria: ClinGen/CGC/VICC Guidelines for Oncogenicity, 2022. Collection method: clinical testing. Allele origin: somatic. Affected: yes.

Labcorp Genetics (formerly Invitae), Labcorp
Classification: Pathogenic. Last evaluated: 2025-11-12. Review status: criteria provided, single submitter. Criteria: Invitae Variant Classification Sherloc (09022015). Collection method: clinical testing. Allele origin: germline.
Comment: This sequence change creates a premature translational stop signal (p.Tyr119*) in the LZTR1 gene. It is expected to result in an absent or disrupted protein product. Loss-of-function variants in LZTR1 are known to be pathogenic (PMID: 24362817, 25335493, 25480913, 25795793, 29469822, 30368668, 30442762, 30442766, 30481304, 30859559). This variant is not present in population databases (gnomAD no frequency). This premature translational stop signal has been observed in individual(s) with neuroblastoma (PMID: 29489754). ClinVar contains an entry for this variant (Variation ID: 2152331). For these reasons, this variant has been classified as Pathogenic.

Ambry Genetics
Classification: Pathogenic for Cardiovascular phenotype; Hereditary cancer-predisposing syndrome. Last evaluated: 2023-10-02. Review status: criteria provided, single submitter. Criteria: Ambry Variant Classification Scheme 2023. Collection method: clinical testing. Allele origin: germline.
Comment: The c.356dupA pathogenic mutation, located in coding exon 4 of the LZTR1 gene, results from a duplication of A at nucleotide position 356, causing a translational frameshift with a predicted alternate stop codon (p.Y119*). This alteration is expected to result in loss of function by premature protein truncation or nonsense-mediated mRNA decay. Loss-of-function variants in LZTR1 are related to an increased risk for schwannomas and autosomal recessive Noonan syndrome; however, such associations with autosomal dominant Noonan syndrome have not been observed (Piotrowski A et al. Nat Genet. 2014 Feb;46:182-7; Yamamoto GL et al. J Med Genet. 2015 Jun;52:413-21; Johnston JJ et al. Genet Med. 2018 10;20:1175-1185). Based on the supporting evidence, this variant is pathogenic for an increased risk of LZTR1-related schwannomatosis (SWN) and would be expected to cause autosomal recessive Noonan syndrome when present along with a second pathogenic or likely pathogenic variant on the other allele; however, the association of this alteration with autosomal dominant Noonan syndrome is unlikely.

Literature cited by the submitters: PubMed 24362817 (cited by Labcorp Genetics (formerly Invitae), Labcorp); PubMed 25335493 (cited by Labcorp Genetics (formerly Invitae), Labcorp); PubMed 25480913 (cited by Labcorp Genetics (formerly Invitae), Labcorp); PubMed 25795793 (cited by Labcorp Genetics (formerly Invitae), Labcorp); PubMed 29469822 (cited by Labcorp Genetics (formerly Invitae), Labcorp); PubMed 30368668 (cited by Labcorp Genetics (formerly Invitae), Labcorp); PubMed 30442762 (cited by Labcorp Genetics (formerly Invitae), Labcorp); PubMed 30442766 (cited by Labcorp Genetics (formerly Invitae), Labcorp); PubMed 30481304 (cited by Labcorp Genetics (formerly Invitae), Labcorp); PubMed 30859559 (cited by Labcorp Genetics (formerly Invitae), Labcorp); PubMed 29489754 (cited by Labcorp Genetics (formerly Invitae), Labcorp).

NM_006767.4(LZTR1):c.356dup (p.Tyr119Ter)

Gene: LZTR1 (leucine zipper like post translational regulator 1; plus strand). Cytogenetic location: 22q11.21.
Variant type: Duplication.
Coding change: c.356dup on transcript NM_006767.4 (MANE Select); coding-DNA position 356, one base duplicated (A; older notation c.356dupA).
Protein change: p.Tyr119Ter; replaces tyrosine 119 with a stop codon.
Molecular consequence: nonsense.
Genome position (GRCh38, 1-based): chr22:20,987,539, A duplicated. VCF-style (leftmost placement, unchanged base first): chr22-20987538-T-TA. GRCh37 (hg19) VCF-style: chr22-21341827-T-TA.
Other names: c.356dupA (NM_006767.3); short protein forms Y119*.
Identifiers: ClinVar variation 2152331 (VCV002152331.6), dbSNP rs2518612495, ClinGen allele CA2577655741.